The following is an entry in ClinVar:

NM_001286577.2(C2CD3):c.378T>G (p.Ile126Met)

Gene: C2CD3 (C2 domain containing 3 centriole elongation regulator; minus strand). Cytogenetic location: 11q13.4.
Variant type: single nucleotide variant.
Coding change: c.378T>G on transcript NM_001286577.2 (MANE Select); coding-DNA position 378, T replaced by G.
Protein change: p.Ile126Met; replaces isoleucine 126 with methionine.
Molecular consequence: missense variant.
Genome position (GRCh38, 1-based): chr11:74,161,504, A>C on the plus strand (T>G on the coding strand, the complement: C2CD3 is on the minus strand). VCF-style: chr11-74161504-A-C. GRCh37 (hg19) VCF-style: chr11-73872549-A-C.
Other names: c.378T>G, p.Ile126Met (NM_015531.6); short protein forms I126M.
Identifiers: ClinVar variation 2603453 (VCV002603453.5), dbSNP rs1455775263, ClinGen allele CA381823314.

ClinVar aggregate classification (germline): Uncertain significance. Review status: criteria provided, multiple submitters, no conflicts (2 of 4 stars). 2 submissions from 2 submitters: Uncertain significance (2). Last evaluated 2023-08-21.

Conditions:
Inborn genetic diseases. Identifiers: MedGen C0950123, MeSH D030342.

Allele frequency attached by ClinVar (database versions not stated): gnomAD exomes below 0.00001; TOPMed below 0.00001.
gnomAD v4.1: 1 of 1,596,258 alleles (0.000063%); highest among the groups gnomAD compares: Admixed American, 0.0017%; no homozygotes.

Submissions (2):

Ambry Genetics
Classification: Uncertain significance for Inborn genetic diseases. Last evaluated: 2023-08-21. Review status: criteria provided, single submitter. Criteria: Ambry Variant Classification Scheme 2023. Collection method: clinical testing. Allele origin: germline.

Labcorp Genetics (formerly Invitae), Labcorp
Classification: Uncertain significance. Last evaluated: 2023-06-09. Review status: criteria provided, single submitter. Criteria: Invitae Variant Classification Sherloc (09022015). Collection method: clinical testing. Allele origin: germline.
Comment: Advanced modeling of protein sequence and biophysical properties (such as structural, functional, and spatial information, amino acid conservation, physicochemical variation, residue mobility, and thermodynamic stability) performed at Invitae indicates that this missense variant is not expected to disrupt C2CD3 protein function. In summary, the available evidence is currently insufficient to determine the role of this variant in disease. Therefore, it has been classified as a Variant of Uncertain Significance. This variant has not been reported in the literature in individuals affected with C2CD3-related conditions. This variant is not present in population databases (gnomAD no frequency). This sequence change replaces isoleucine, which is neutral and non-polar, with methionine, which is neutral and non-polar, at codon 126 of the C2CD3 protein (p.Ile126Met).